The following continues an entry in ClinVar:

NM_000371.4(TTR):c.385G>A (p.Ala129Thr)

Gene: TTR. ClinVar aggregate classification (germline): Conflicting classifications of pathogenicity. Likely pathogenic (1); Uncertain significance (9); Likely benign (1).

Submissions 11 to 13 of 13:

GeneDx
Classification: Uncertain significance. Last evaluated: 2016-01-15. Review status: criteria provided, single submitter. Criteria: GeneDx Variant Classification (06012015). Collection method: clinical testing. Allele origin: germline. Affected: yes.
Comment: The A129T variant of uncertain significance in the TTR gene (also reported as A109T due to alternate nomenclature) has been reported to co-segregate with disease in two unrelated families with euthyroid hyperthyroxinemia (Moses et al., 1990; Alves et al., 1997). However, in both families, no clinical symptoms related to familial amyloidosis were observed (Moses et al., 1990; Alves et al., 1997). Another clinical laboratory has observed A129T in one individual with HCM who also harbored a pathogenic variant in the MYBPC3 gene (Landrum et al., 2014). This variant was not observed in approximately 6,500 individuals of European and African American ancestry in the NHLBI Exome Sequencing Project, indicating it is not a common benign variant in these populations. Missense variants in the same residue (A129S, A129V) have been reported in association with hereditary amyloidosis and euthyroid hyperthyroxinemia, respectively (Date et al., 1997; Refetoff et al., 1996). In addition, missense variants in nearby residues (I127F, I127V, I127M, L131M) have been reported in the Human Gene Mutation Database in association with hereditary amyloidosis (Stenson et al., 2014), supporting the functional importance of this residue and this region of the protein. Functional studies show that A129T results in increased affinity of thyroxine to the TTR protein (Moses et al., 1990; Alves et al., 1997). The A129T variant is a non-conservative amino acid substitution, which is likely to impact secondary protein structure as these residues differ in polarity, charge, size and/or other properties. Additionally, this substitution occurs at a position where amino acids with similar properties to Alanine are tolerated across species, although T129 is tolerated in at least one species. Nevertheless, in silico analysis predicts this variant likely does not alter the protein structure/function.Therefore, based on the currently available information, it is unclear whether this variant is pathogenic or benign

Exeter Genomics Laboratory, Royal Devon University Healthcare NHS Foundation Trust
Classification: Likely pathogenic for Hyperthyroidism. Last evaluated: 2025-06-12. Review status: no assertion criteria provided. Collection method: clinical testing. Allele origin: germline. Affected: yes. Not counted in ClinVar's aggregate classification.

OMIM
Classification: Affects for DYSTRANSTHYRETINEMIC HYPERTHYROXINEMIA. Last evaluated: 1996-09-01. Review status: no assertion criteria provided. Collection method: literature only. Allele origin: germline. Not counted in ClinVar's aggregate classification.

Literature cited by the submitters: PubMed 17503405 (cited by Women's Health and Genetics/Laboratory Corporation of America, LabCorp); PubMed 27532257 (cited by Women's Health and Genetics/Laboratory Corporation of America, LabCorp and Labcorp Genetics (formerly Invitae), Labcorp); PubMed 9090525 (cited by Women's Health and Genetics/Laboratory Corporation of America, LabCorp and Laboratory for Molecular Medicine, Mass General Brigham Personalized Medicine); PubMed 1979335 (cited by 4 submitters); PubMed 34380564 (cited by Women's Health and Genetics/Laboratory Corporation of America, LabCorp); PubMed 14640030 (cited by Laboratory for Molecular Medicine, Mass General Brigham Personalized Medicine); PubMed 9268242 (cited by Laboratory for Molecular Medicine, Mass General Brigham Personalized Medicine); PubMed 8784093 (cited by Laboratory for Molecular Medicine, Mass General Brigham Personalized Medicine and OMIM); PubMed 6801514 (cited by OMIM).